The following is an entry in ClinVar:

ClinVar aggregate classification (germline): Benign (1 of 4 stars; one submission).

Conditions:
MAPT-Related Spectrum Disorders.

Allele frequency attached by ClinVar (database versions not stated): 1000 Genomes Project 30x 0.00999; 1000 Genomes Project 0.01118; TOPMed 0.01967; gnomAD 0.02194 and 0.02237.

Submission:

Illumina Laboratory Services, Illumina
Classification: Benign for MAPT-Related Spectrum Disorders. Last evaluated: 2018-01-12. Review status: criteria provided, single submitter. Criteria: ICSL Variant Classification Criteria 13 December 2019. Collection method: clinical testing. Allele origin: germline.
Comment: This variant was observed in the ICSL laboratory as part of a predisposition screen in an ostensibly healthy population. It had not been previously curated by ICSL or reported in the Human Gene Mutation Database (HGMD: prior to June 1st, 2018), and was therefore a candidate for classification through an automated scoring system. Utilizing variant allele frequency, disease prevalence and penetrance estimates, and inheritance mode, an automated score was calculated to assess if this variant is too frequent to cause the disease. Based on the score and internal cut-off values, a variant classified as benign is not then subjected to further curation. The score for this variant resulted in a classification of benign for this disease.

NM_001377265.1(MAPT):c.*2810G>A

Gene: MAPT (microtubule associated protein tau). Cytogenetic location: 17q21.31.
Variant type: single nucleotide variant.
Coding change: c.*2810G>A on transcript NM_001377265.1 (MANE Select); 2810 bases downstream of the stop codon, G replaced by A.
Molecular consequence: 3 prime UTR variant. On other transcripts: non-coding transcript variant (1).
Genome position (GRCh38, 1-based): chr17:46,026,981, G>A. VCF-style: chr17-46026981-G-A. GRCh37 (hg19) VCF-style: chr17-44104347-G-A.
Other names: c.*2810G>A (NM_001123066.4, NM_001123067.4, NM_001203251.2 and 7 more transcripts); c.*1793G>A (NM_001377267.1).
Identifiers: ClinVar variation 323705 (VCV000323705.6), dbSNP rs2158256, ClinGen allele CA10649492.